The following is an entry in ClinVar:

NM_201253.3(CRB1):c.2805C>A (p.His935Gln)

Gene: CRB1 (crumbs cell polarity complex component 1; plus strand). Cytogenetic location: 1q31.3.
Variant type: single nucleotide variant.
Coding change: c.2805C>A on transcript NM_201253.3 (MANE Select); coding-DNA position 2805, C replaced by A.
Protein change: p.His935Gln; replaces histidine 935 with glutamine.
Molecular consequence: missense variant. On other transcripts: non-coding transcript variant (2), intron variant (1).
Genome position (GRCh38, 1-based): chr1:197,429,577, C>A. VCF-style: chr1-197429577-C-A. GRCh37 (hg19) VCF-style: chr1-197398707-C-A.
Other names: c.2469C>A, p.His823Gln (NM_001193640.2); c.2733C>A, p.His911Gln (NM_001257965.2); c.2129-6023C>A (NM_001257966.2); short protein forms H823Q, H911Q, H935Q.
Identifiers: ClinVar variation 953405 (VCV000953405.8), dbSNP rs767706271, ClinGen allele CA1312208.

ClinVar aggregate classification (germline): Uncertain significance. Review status: criteria provided, single submitter (1 of 4 stars). 2 submissions from 2 submitters: Uncertain significance (1). 1 of the submissions does not count toward it. Last evaluated 2022-05-11.

Conditions:
Leber congenital amaurosis (LCA). Also called: Leber's amaurosis. Identifiers: Orphanet 65, MedGen C0339527, MeSH D057130, MONDO:0018998.
Retinitis pigmentosa 12 (RP12). Also called: RP WITH OR WITHOUT PPRPE; RP WITH OR WITHOUT PRESERVED PARAARTERIOLE RETINAL PIGMENT EPITHELIUM; RETINITIS PIGMENTOSA WITH OR WITHOUT PARAARTERIOLAR PRESERVATION OF RETINAL PIGMENT EPITHELIUM. Identifiers: Orphanet 791, MedGen C1838647, MONDO:0010818, OMIM 600105.
Leber congenital amaurosis 8 (LCA8). Identifiers: Orphanet 65, MedGen C3151202, MONDO:0013453, OMIM 613835.

gnomAD v4.1: 1 of 1,613,886 alleles (0.000062%); highest among the groups gnomAD compares: East Asian, 0.0022%; no homozygotes.

Submissions (2):

Labcorp Genetics (formerly Invitae), Labcorp
Classification: Uncertain significance for Leber congenital amaurosis 8; Retinitis pigmentosa 12. Last evaluated: 2022-05-11. Review status: criteria provided, single submitter. Criteria: Invitae Variant Classification Sherloc (09022015). Collection method: clinical testing. Allele origin: germline.
Comment: This sequence change replaces histidine, which is basic and polar, with glutamine, which is neutral and polar, at codon 935 of the CRB1 protein (p.His935Gln). This variant is present in population databases (rs767706271, gnomAD 0.06%). This variant has not been reported in the literature in individuals affected with CRB1-related conditions. ClinVar contains an entry for this variant (Variation ID: 953405). Advanced modeling of protein sequence and biophysical properties (such as structural, functional, and spatial information, amino acid conservation, physicochemical variation, residue mobility, and thermodynamic stability) performed at Invitae indicates that this missense variant is not expected to disrupt CRB1 protein function. Algorithms developed to predict the effect of sequence changes on RNA splicing suggest that this variant may create or strengthen a splice site. In summary, the available evidence is currently insufficient to determine the role of this variant in disease. Therefore, it has been classified as a Variant of Uncertain Significance.

Natera, Inc.
Classification: Uncertain significance for Leber congenital amaurosis. Last evaluated: 2020-10-29. Review status: no assertion criteria provided. Collection method: clinical testing. Allele origin: germline. Not counted in ClinVar's aggregate classification.